The following is an entry in ClinVar:

ClinVar aggregate classification (germline): Pathogenic. Review status: criteria provided, single submitter (1 of 4 stars). 2 submissions from 1 submitter: Pathogenic (2). Last evaluated 2019-01-21.

Conditions:
Juvenile polyposis syndrome (JPS). Identifiers: Orphanet 2929, MedGen C0345893, MONDO:0017380, OMIM 174900.
Generalized juvenile polyposis/juvenile polyposis coli. Also called: Juvenile polyposis coli. Identifiers: Orphanet 329971, MedGen C1868081, MONDO:0008276.

Submissions (2):

Labcorp Genetics (formerly Invitae), Labcorp
Classification: Pathogenic for Juvenile polyposis syndrome. Last evaluated: 2019-01-21. Review status: criteria provided, single submitter. Criteria: Invitae Variant Classification Sherloc (09022015). Collection method: clinical testing. Allele origin: germline.
Comment: A gross deletion of the genomic region encompassing the full coding sequence of the BMPR1A gene has been identified. The boundaries of this event are unknown as the deletion extends beyond the assayed region for this gene and therefore may encompass additional genes. Truncating variants, including whole gene deletions, in BMPR1A are known to be pathogenic. A similar whole gene deletion has been reported in the literature in an individual affected with colorectal polyps (PMID: 23399955). For these reasons, this variant has been classified as Pathogenic.

Labcorp Genetics (formerly Invitae), Labcorp
Classification: Pathogenic for Juvenile polyposis syndrome. Last evaluated: 2019-01-19. Review status: criteria provided, single submitter. Criteria: Invitae Variant Classification Sherloc (09022015). Collection method: clinical testing. Allele origin: germline.
Comment: the same text as in the submission from Labcorp Genetics (formerly Invitae), Labcorp above.

Literature cited by the submitters: PubMed 23399955.

NC_000010.11:g.(?_86876009)_(86923729_?)del

Gene: BMPR1A (bone morphogenetic protein receptor type 1A; plus strand). Cytogenetic location: 10q23.2.
Variant type: Deletion.
Identifiers: ClinVar variation 649055 (VCV000649055.3).